The following is an entry in ClinVar:

NM_198506.5(LRIT3):c.1960T>G (p.Leu654Val)

Gene: LRIT3 (leucine rich repeat, Ig-like and transmembrane domains 3; plus strand). Cytogenetic location: 4q25.
Variant type: single nucleotide variant.
Coding change: c.1960T>G on transcript NM_198506.5 (MANE Select); coding-DNA position 1960, T replaced by G.
Protein change: p.Leu654Val; replaces leucine 654 with valine.
Molecular consequence: missense variant.
Genome position (GRCh38, 1-based): chr4:109,870,709, T>G. VCF-style: chr4-109870709-T-G. GRCh37 (hg19) VCF-style: chr4-110791865-T-G.
Other names: short protein forms L654V.
Identifiers: ClinVar variation 1423800 (VCV001423800.8), dbSNP rs755646399, ClinGen allele CA3043295.

ClinVar aggregate classification (germline): Uncertain significance (1 of 4 stars; one submission).

Allele frequency attached by ClinVar (database versions not stated): gnomAD exomes below 0.00001; ExAC 0.00001; TOPMed 0.00001; gnomAD 0.00003.
gnomAD v4.1: 4 of 1,613,976 alleles (0.00025%); highest among the groups gnomAD compares: African/African-American, 0.004%; no homozygotes.

Submission:

Labcorp Genetics (formerly Invitae), Labcorp
Classification: Uncertain significance. Last evaluated: 2023-11-06. Review status: criteria provided, single submitter. Criteria: Invitae Variant Classification Sherloc (09022015). Collection method: clinical testing. Allele origin: germline.
Comment: This sequence change replaces leucine, which is neutral and non-polar, with valine, which is neutral and non-polar, at codon 654 of the LRIT3 protein (p.Leu654Val). This variant is present in population databases (rs755646399, gnomAD 0.007%). This variant has not been reported in the literature in individuals affected with LRIT3-related conditions. ClinVar contains an entry for this variant (Variation ID: 1423800). Algorithms developed to predict the effect of missense changes on protein structure and function output the following: SIFT: "Not Available"; PolyPhen-2: "Possibly Damaging"; Align-GVGD: "Not Available". The valine amino acid residue is found in multiple mammalian species, which suggests that this missense change does not adversely affect protein function. In summary, the available evidence is currently insufficient to determine the role of this variant in disease. Therefore, it has been classified as a Variant of Uncertain Significance.